The following is an entry in ClinVar:

ClinVar aggregate classification (germline): Uncertain significance (1 of 4 stars; one submission).

Allele frequency attached by ClinVar (database versions not stated): TOPMed 0.00003; gnomAD exomes 0.00005; gnomAD 0.00007; ESP Exome Variant Server 0.00008; 1000 Genomes Project 30x 0.00016; 1000 Genomes Project 0.00020; ExAC 0.00024.
gnomAD v4.1: 85 of 1,614,002 alleles (0.0053%); highest among the groups gnomAD compares: South Asian, 0.0088%; no homozygotes.

Submission:

Labcorp Genetics (formerly Invitae), Labcorp
Classification: Uncertain significance. Last evaluated: 2023-12-03. Review status: criteria provided, single submitter. Criteria: Invitae Variant Classification Sherloc (09022015). Collection method: clinical testing. Allele origin: germline.
Comment: This sequence change replaces threonine, which is neutral and polar, with methionine, which is neutral and non-polar, at codon 2037 of the FAT1 protein (p.Thr2037Met). This variant is present in population databases (rs371538987, gnomAD 0.02%). This variant has not been reported in the literature in individuals affected with FAT1-related conditions. Advanced modeling of protein sequence and biophysical properties (such as structural, functional, and spatial information, amino acid conservation, physicochemical variation, residue mobility, and thermodynamic stability) performed at Invitae indicates that this missense variant is not expected to disrupt FAT1 protein function with a negative predictive value of 80%. In summary, the available evidence is currently insufficient to determine the role of this variant in disease. Therefore, it has been classified as a Variant of Uncertain Significance.

NM_005245.4(FAT1):c.6110C>T (p.Thr2037Met)

Gene: FAT1 (FAT atypical cadherin 1; minus strand). Cytogenetic location: 4q35.2.
Variant type: single nucleotide variant.
Coding change: c.6110C>T on transcript NM_005245.4 (MANE Select); coding-DNA position 6110, C replaced by T.
Protein change: p.Thr2037Met; replaces threonine 2037 with methionine.
Molecular consequence: missense variant.
Genome position (GRCh38, 1-based): chr4:186,620,476, G>A on the plus strand (C>T on the coding strand, the complement: FAT1 is on the minus strand). VCF-style: chr4-186620476-G-A. GRCh37 (hg19) VCF-style: chr4-187541630-G-A.
Other names: short protein forms T2037M.
Identifiers: ClinVar variation 3023452 (VCV003023452.2), dbSNP rs371538987, ClinGen allele CA3166314.
Genomic context (GRCh38, chr4:186,620,476, plus strand): 5'-TGTTCCTCTGTCACTTCTACAACCACATCAAACGCCTCCTGCTGCTCACGATCGAAGGGC[G>A]TGCCAGTGGTTGACAGAACTCCTGAAGTGCGGCTTATTTTAAATCTGCGATCTGGGTTGA-3'
Protein context (NP_005236.2, residues 2027-2047): RTSGVLSTTG[Thr2037Met]PFDREQQEAF